The following is an entry in ClinVar:

ClinVar aggregate classification (germline): Uncertain significance. Review status: criteria provided, multiple submitters, no conflicts (2 of 4 stars). 3 submissions from 3 submitters: Uncertain significance (3). Last evaluated 2023-09-23.

Conditions:
Inborn genetic diseases. Identifiers: MedGen C0950123, MeSH D030342.
Intellectual disability, autosomal recessive 53 (NEDHSCA). Also called: NEURODEVELOPMENTAL DISORDER WITH OR WITHOUT HYPOTONIA, SEIZURES, AND CEREBELLAR ATROPHY; GLYCOSYLPHOSPHATIDYLINOSITOL BIOSYNTHESIS DEFECT 13; Mental retardation, autosomal recessive 53. Identifiers: Orphanet 488635, MedGen C4310794, MONDO:0014832, OMIM 616917.

Allele frequency attached by ClinVar (database versions not stated): gnomAD below 0.00001 and 0.00003; TOPMed 0.00001; gnomAD exomes 0.00005 and 0.00015; ExAC 0.00017.
gnomAD v4.1: 74 of 1,613,712 alleles (0.0046%); highest among the groups gnomAD compares: South Asian, 0.074%; 1 homozygote.

Submissions (3):

Ambry Genetics
Classification: Uncertain significance for Inborn genetic diseases. Last evaluated: 2023-09-23. Review status: criteria provided, single submitter. Criteria: Ambry Variant Classification Scheme 2023. Collection method: clinical testing. Allele origin: germline.

Labcorp Genetics (formerly Invitae), Labcorp
Classification: Uncertain significance for Intellectual disability, autosomal recessive 53. Last evaluated: 2022-04-09. Review status: criteria provided, single submitter. Criteria: Invitae Variant Classification Sherloc (09022015). Collection method: clinical testing. Allele origin: germline.
Comment: This sequence change replaces methionine, which is neutral and non-polar, with valine, which is neutral and non-polar, at codon 436 of the PIGG protein (p.Met436Val). This variant is present in population databases (rs755361495, gnomAD 0.1%). This variant has not been reported in the literature in individuals affected with PIGG-related conditions. ClinVar contains an entry for this variant (Variation ID: 848449). Algorithms developed to predict the effect of missense changes on protein structure and function output the following: SIFT: "Tolerated"; PolyPhen-2: "Benign"; Align-GVGD: "Class C0". The valine amino acid residue is found in multiple mammalian species, which suggests that this missense change does not adversely affect protein function. Algorithms developed to predict the effect of sequence changes on RNA splicing suggest that this variant may disrupt the consensus splice site. In summary, the available evidence is currently insufficient to determine the role of this variant in disease. Therefore, it has been classified as a Variant of Uncertain Significance.

Breakthrough Genomics
Classification: Uncertain significance. Review status: criteria provided, single submitter. Criteria: ACMG Guidelines, 2015. Collection method: not provided. Allele origin: germline. Inheritance: Autosomal recessive inheritance. Affected: yes.

NM_001127178.3(PIGG):c.1306A>G (p.Met436Val)

Gene: PIGG (phosphatidylinositol glycan anchor biosynthesis class G (EMM blood group); plus strand). Cytogenetic location: 4p16.3.
Variant type: single nucleotide variant.
Coding change: c.1306A>G on transcript NM_001127178.3 (MANE Select); coding-DNA position 1306, A replaced by G.
Protein change: p.Met436Val; replaces methionine 436 with valine.
Molecular consequence: missense variant. On other transcripts: non-coding transcript variant (6), intron variant (4).
Genome position (GRCh38, 1-based): chr4:521,247, A>G. VCF-style: chr4-521247-A-G. GRCh37 (hg19) VCF-style: chr4-515036-A-G.
Other names: c.1039A>G, p.Met347Val (NM_001289051.2, NM_001289053.2, NM_001345986.2 and 1 more transcripts); c.907A>G, p.Met303Val (NM_001289052.2); c.277A>G, p.Met93Val (NM_001345988.2); c.1306A>G, p.Met436Val (NM_001345989.2, NM_017733.5); c.232A>G, p.Met78Val (NM_001345994.2); c.-202+20A>G (NM_001345991.2, NM_001345990.2); c.848-413A>G (NM_001289057.2); c.920+20A>G (NM_001289055.2); and 1 more; short protein forms M303V, M436V, M78V, M93V, M347V.
Identifiers: ClinVar variation 848449 (VCV000848449.9), dbSNP rs755361495, ClinGen allele CA2793271.